The following is an entry in ClinVar:

NM_000540.3(RYR1):c.4816C>T (p.Arg1606Cys)

Gene: RYR1 (ryanodine receptor 1; plus strand). Cytogenetic location: 19q13.2.
Variant type: single nucleotide variant.
Coding change: c.4816C>T on transcript NM_000540.3 (MANE Select); coding-DNA position 4816, C replaced by T.
Protein change: p.Arg1606Cys; replaces arginine 1606 with cysteine.
Molecular consequence: missense variant.
Genome position (GRCh38, 1-based): chr19:38,483,398, C>T. VCF-style: chr19-38483398-C-T. GRCh37 (hg19) VCF-style: chr19-38974038-C-T.
Other names: c.4816C>T, p.Arg1606Cys (NM_001042723.2); short protein forms R1606C.
Identifiers: ClinVar variation 930890 (VCV000930890.15), dbSNP rs774316371, ClinGen allele CA066449.

ClinVar aggregate classification (germline): Uncertain significance. Review status: criteria provided, multiple submitters, no conflicts (2 of 4 stars). 8 submissions from 8 submitters: Uncertain significance (8). Last evaluated 2025-12-30.

Conditions:
RYR1-related disorder. Also called: RYR1-related condition; RYR1-related disorders. Identifiers: MedGen CN239331.
Central core myopathy (CMYO1A). Also called: CONGENITAL MYOPATHY 1A, AUTOSOMAL DOMINANT, WITH SUSCEPTIBILITY TO MALIGNANT HYPERTHERMIA; Central core disease; Myopathy, central fibrillar. Identifiers: Orphanet 597, MedGen C5830701, MONDO:0007294, OMIM 117000.
Congenital myopathy with fiber type disproportion. Also called: Congenital fiber-type disproportion myopathy; Congenital fiber-type disproportion. Identifiers: Orphanet 2020, MedGen C0546264, MONDO:0009711. Inheritance: all.
Congenital multicore myopathy with external ophthalmoplegia (CMYO1B). Also called: Congenital myopathy 1B, autosomal recessive; Minicore myopathy; Minicore myopathy with external ophthalmoplegia; MULTIMINICORE DISEASE WITH EXTERNAL OPHTHALMOPLEGIA; MULTICORE MYOPATHY. Identifiers: Orphanet 598, Orphanet 98905, MedGen C1850674, MONDO:0009712, OMIM 255320, HP:0003789.
Malignant hyperthermia, susceptibility to, 1 (MHS1). Also called: Malignant hyperthermia suceptibility 1; RYR1-Related Malignant Hyperthermia Susceptibility; Anesthesia related hyperthermia; Malignant hyperpyrexia; Fulminating hyperpyrexia; Pharmacogenic myopathy. Identifiers: Orphanet 423, MedGen C2930980, MONDO:0007783, OMIM 145600.
King Denborough syndrome (KDS). Identifiers: MedGen C1840365, MONDO:0020485, OMIM 619542.

Allele frequency attached by ClinVar (database versions not stated): gnomAD 0.00001; TOPMed 0.00001; ExAC 0.00012.
gnomAD v4.1: 22 of 1,570,716 alleles (0.0014%); highest among the groups gnomAD compares: South Asian, 0.0023%; 1 homozygote.

Submissions (8):

Labcorp Genetics (formerly Invitae), Labcorp
Classification: Uncertain significance for RYR1-related disorder. Last evaluated: 2025-12-30. Review status: criteria provided, single submitter. Criteria: Invitae Variant Classification Sherloc (09022015). Collection method: clinical testing. Allele origin: germline.
Comment: This sequence change replaces arginine, which is basic and polar, with cysteine, which is neutral and slightly polar, at codon 1606 of the RYR1 protein (p.Arg1606Cys). This variant is present in population databases (rs774316371, gnomAD 0.004%). This missense change has been observed in individual(s) with centronuclear myopathy (PMID: 20839240). ClinVar contains an entry for this variant (Variation ID: 930890). Invitae Evidence Modeling of protein sequence and biophysical properties (such as structural, functional, and spatial information, amino acid conservation, physicochemical variation, residue mobility, and thermodynamic stability) indicates that this missense variant is expected to disrupt RYR1 protein function with a positive predictive value of 80%. In summary, the available evidence is currently insufficient to determine the role of this variant in disease. Therefore, it has been classified as a Variant of Uncertain Significance.

Blueprint Genetics
Classification: Uncertain significance. Last evaluated: 2024-11-11. Review status: criteria provided, single submitter. Criteria: ACMG Guidelines, 2015. Collection method: clinical testing. Allele origin: germline.

All of Us Research Program, National Institutes of Health
Classification: Uncertain significance for Malignant hyperthermia, susceptibility to, 1. Last evaluated: 2024-08-13. Review status: criteria provided, single submitter. Criteria: ACMG Guidelines, 2015. Collection method: clinical testing. Allele origin: germline. Inheritance: Autosomal dominant inheritance. Observed: 13 variant alleles, 13 heterozygotes.
Comment: This missense variant replaces arginine with cysteine at codon 1606 of the RYR1 protein. Computational prediction suggests that this variant may have deleterious impact on protein structure and function (internally defined REVEL score threshold >= 0.7, PMID: 27666373). To our knowledge, functional studies have not been reported for this variant. This variant has not been reported in individuals affected with autosomal dominant malignant hyperthermia in the literature, although it is associated with other phenotype(s) (ClinVar variation ID: 930890). This variant has been identified in 4/183582 chromosomes in the general population by the Genome Aggregation Database (gnomAD). Due to insufficient evidence, this variant is classified as a Variant of Uncertain Significance for autosomal dominant malignant hyperthermia.

This study involves interpretation of variants in research participants for the purpose of population health screening. Participant phenotype was not available at the time of variant classification. Additional details can be found in publication PMID: 35346344, PMCID: PMC8962531

Color Diagnostics, LLC DBA Color Health
Classification: Uncertain significance for Malignant hyperthermia, susceptibility to, 1. Last evaluated: 2023-09-14. Review status: criteria provided, single submitter. Criteria: ACMG Guidelines, 2015. Collection method: clinical testing. Allele origin: germline.
Comment: This missense variant replaces arginine with cysteine at codon 1606 of the RYR1 protein. Computational prediction suggests that this variant may have deleterious impact on protein structure and function. To our knowledge, functional studies have not been reported for this variant. This variant has not been reported in individuals affected with autosomal dominant malignant hyperthermia in the literature, although it is associated with other phenotype(s) (ClinVar variation ID: 930890). This variant has been identified in 4/183582 chromosomes in the general population by the Genome Aggregation Database (gnomAD). Due to insufficient evidence, this variant is classified as a Variant of Uncertain Significance for autosomal dominant malignant hyperthermia.

Fulgent Genetics
Classification: Uncertain significance for Central core myopathy; Malignant hyperthermia, susceptibility to, 1; Congenital myopathy 4A, autosomal dominant; Congenital multicore myopathy with external ophthalmoplegia; King Denborough syndrome. Last evaluated: 2021-09-14. Review status: criteria provided, single submitter. Criteria: ACMG Guidelines, 2015. Collection method: clinical testing. Allele origin: unknown.

Centre for Mendelian Genomics, University Medical Centre Ljubljana
Classification: Uncertain significance for Congenital myopathy 4A, autosomal dominant. Last evaluated: 2020-01-21. Review status: criteria provided, single submitter. Criteria: ACMG Guidelines, 2015. Collection method: clinical testing. Allele origin: unknown. Affected: yes.
Comment: This variant was classified as: Uncertain significance. The following ACMG criteria were applied in classifying this variant: PM2,PP3.

GeneDx
Classification: Uncertain significance. Last evaluated: 2019-07-02. Review status: criteria provided, single submitter. Criteria: GeneDx Variant Classification Process June 2021. Collection method: clinical testing. Allele origin: germline. Affected: yes.
Comment: Reported as a paternally inherited variant in a patient with RYR1-related congenital myopathy with central nuclei; no other clinical information on patient or parents provided (Wilmshurst et al., 2010); In silico analysis, which includes protein predictors and evolutionary conservation, supports a deleterious effect; Not observed at a significant frequency in large population cohorts (Lek et al., 2016); This variant is associated with the following publications: (PMID: 20839240)

CENTOGENE GmbH and LLC - Guiding Precision Medicine
Classification: Uncertain significance for Central core myopathy. Last evaluated: 2018-04-30. Review status: criteria provided, single submitter. Criteria: ACMG Guidelines, 2015. Collection method: clinical testing. Allele origin: germline.

Literature cited by the submitters: PubMed 20839240 (cited by Labcorp Genetics (formerly Invitae), Labcorp).